The following is an entry in ClinVar:

ClinVar aggregate classification (germline): Uncertain significance. Review status: criteria provided, multiple submitters, no conflicts (2 of 4 stars). 2 submissions from 2 submitters: Uncertain significance (2). Last evaluated 2025-07-15.

Conditions:
Inborn genetic diseases. Identifiers: MedGen C0950123, MeSH D030342.
Charcot-Marie-Tooth disease type 2. Also called: Charcot-Marie-Tooth type 2. Identifiers: Orphanet 64746, MedGen C0270914, MONDO:0018993.

Allele frequency attached by ClinVar (database versions not stated): gnomAD exomes below 0.00001.
gnomAD v4.1: 1 of 1,614,180 alleles (0.000062%); highest among the groups gnomAD compares: Non-Finnish European, 0.000085%; no homozygotes.

Submissions (2):

Ambry Genetics
Classification: Uncertain significance for Inborn genetic diseases. Last evaluated: 2025-07-15. Review status: criteria provided, single submitter. Criteria: Ambry Variant Classification Scheme 2023. Collection method: clinical testing. Allele origin: germline.

Labcorp Genetics (formerly Invitae), Labcorp
Classification: Uncertain significance for Charcot-Marie-Tooth disease type 2. Last evaluated: 2025-02-03. Review status: criteria provided, single submitter. Criteria: Invitae Variant Classification Sherloc (09022015). Collection method: clinical testing. Allele origin: germline.
Comment: This sequence change replaces alanine, which is neutral and non-polar, with valine, which is neutral and non-polar, at codon 608 of the MFN2 protein (p.Ala608Val). This variant is not present in population databases (gnomAD no frequency). This variant has not been reported in the literature in individuals affected with MFN2-related conditions. ClinVar contains an entry for this variant (Variation ID: 408330). Invitae Evidence Modeling of protein sequence and biophysical properties (such as structural, functional, and spatial information, amino acid conservation, physicochemical variation, residue mobility, and thermodynamic stability) has been performed for this missense variant. However, the output from this modeling did not meet the statistical confidence thresholds required to predict the impact of this variant on MFN2 protein function. In summary, the available evidence is currently insufficient to determine the role of this variant in disease. Therefore, it has been classified as a Variant of Uncertain Significance.

NM_014874.4(MFN2):c.1823C>T (p.Ala608Val)

Gene: MFN2 (mitofusin 2; plus strand). Cytogenetic location: 1p36.22.
Variant type: single nucleotide variant.
Coding change: c.1823C>T on transcript NM_014874.4 (MANE Select); coding-DNA position 1823, C replaced by T.
Protein change: p.Ala608Val; replaces alanine 608 with valine.
Molecular consequence: missense variant.
Genome position (GRCh38, 1-based): chr1:12,006,644, C>T. VCF-style: chr1-12006644-C-T. GRCh37 (hg19) VCF-style: chr1-12066701-C-T.
Other names: c.1823C>T, p.Ala608Val (NM_001127660.2); short protein forms A608V.
Identifiers: ClinVar variation 408330 (VCV000408330.10), dbSNP rs1060501924, ClinGen allele CA16609883.